The following is an entry in ClinVar:

ClinVar aggregate classification (germline): Pathogenic/Likely pathogenic. Review status: criteria provided, multiple submitters, no conflicts (2 of 4 stars). 2 submissions from 2 submitters: Pathogenic (1); Likely pathogenic (1). Last evaluated 2025-05-20.

Conditions:
Hereditary cancer-predisposing syndrome. Also called: Tumor predisposition; Hereditary neoplastic syndrome; Neoplastic Syndromes, Hereditary; Hereditary Cancer Syndrome. Identifiers: Orphanet 140162, MedGen C0027672, MeSH D009386, MONDO:0015356.
Familial adenomatous polyposis 1 (FAP1). Also called: POLYPOSIS, ADENOMATOUS INTESTINAL; FAMILIAL ADENOMATOUS POLYPOSIS 1, ATTENUATED. Identifiers: MedGen C2713442, MONDO:0021056, OMIM 175100. Disease mechanism: loss of function.

Submissions (2):

Ambry Genetics
Classification: Likely pathogenic for Hereditary cancer-predisposing syndrome. Last evaluated: 2025-05-20. Review status: criteria provided, single submitter. Criteria: Ambry Variant Classification Scheme 2023. Collection method: clinical testing. Allele origin: germline.
Comment: The c.3652dupA variant, located in coding exon 15 of the APC gene, results from a duplication of A at nucleotide position 3652, causing a translational frameshift with a predicted alternate stop codon (p.T1218Nfs*7). This alteration occurs at the 3' terminus of theAPC gene, is not expected to trigger nonsense-mediated mRNA decay, and impacts the last 57% of the protein. However, premature stop codons are typically deleterious in nature and a significant portion of the protein is affected (Ambry internal data). Based on data from gnomAD, the frequency for this variant is above the maximum credible frequency for a disease-causing variant in this gene based on internally established thresholds (Karczewski et al. Nature. 2020 May;581(7809):434-443; Whiffin et al. Genet Med. 2017 10;19:1151-1158). Based on the majority of available evidence to date, this variant is likely to be pathogenic.

Myriad Genetics, Inc.
Classification: Pathogenic for Familial adenomatous polyposis 1. Last evaluated: 2023-05-09. Review status: criteria provided, single submitter. Criteria: Myriad Autosomal Dominant, Autosomal Recessive and X-Linked Classification Criteria (2023). Collection method: clinical testing. Allele origin: unknown.
Comment: This variant is considered pathogenic. This variant creates a frameshift predicted to result in premature protein truncation.

NM_000038.6(APC):c.3652dup (p.Thr1218fs)

Gene: APC (APC regulator of Wnt signaling pathway; plus strand). Cytogenetic location: 5q22.2.
Variant type: Duplication.
Coding change: c.3652dup on transcript NM_000038.6 (MANE Select); coding-DNA position 3652, one base duplicated (A; older notation c.3652dupA).
Protein change: p.Thr1218fs; shifts the reading frame from threonine 1218.
Molecular consequence: frameshift variant. On other transcripts: non-coding transcript variant (2).
Genome position (GRCh38, 1-based): chr5:112,839,246, A duplicated. VCF-style (leftmost placement, unchanged base first): chr5-112839245-T-TA. GRCh37 (hg19) VCF-style: chr5-112174942-T-TA.
Other names: c.3652dupA (NM_000038.5); c.3652dup, p.Thr1218fs (NM_001127510.3, NM_001354895.2, NM_001407450.1); c.3598dup, p.Thr1200fs (NM_001127511.3); c.3706dup, p.Thr1236fs (NM_001354896.2, NM_001407447.1, NM_001407448.1 and 1 more transcripts); c.3682dup, p.Thr1228fs (NM_001354897.2); c.3577dup, p.Thr1193fs (NM_001354898.2); c.3568dup, p.Thr1190fs (NM_001354899.2); c.3529dup, p.Thr1177fs (NM_001354900.2); and 12 more; short protein forms T1190fs, T1193fs, T1200fs, T1208fs, T1211fs, T1218fs, T1228fs, T1236fs.
Identifiers: ClinVar variation 2583595 (VCV002583595.2), dbSNP rs2533514467, ClinGen allele CA2582341529.
Genomic context (GRCh38, chr5:112,839,245, plus strand): 5'-CTCAAAGAGTTCATCTGGACAAAGCAGTAAAACCGAACATATGTCTTCAAGCAGTGAGAA[T>TA]ACGTCCACACCTTCATCTAATGCCAAGAGGCAGAATCAGCTCCATCCAAGTTCTGCACAG-3'